The following is an entry in ClinVar:

ClinVar aggregate classification (germline): Pathogenic/Likely pathogenic. Review status: criteria provided, multiple submitters, no conflicts (2 of 4 stars). 4 submissions from 4 submitters: Pathogenic (2); Likely pathogenic (1). 1 of the submissions does not count toward it. Last evaluated 2025-06-25.

Conditions:
Joubert syndrome 17 (JBTS17). Identifiers: Orphanet 475, MedGen C3553264, MONDO:0013824, OMIM 614615.

Allele frequency attached by ClinVar (database versions not stated): gnomAD 0.00001; gnomAD exomes 0.00001; TOPMed 0.00001.
gnomAD v4.1: 6 of 1,516,148 alleles (0.0004%); highest among the groups gnomAD compares: Non-Finnish European, 0.00053%; no homozygotes.

Submissions (4):

Labcorp Genetics (formerly Invitae), Labcorp
Classification: Pathogenic. Last evaluated: 2025-06-25. Review status: criteria provided, single submitter. Criteria: Invitae Variant Classification Sherloc (09022015). Collection method: clinical testing. Allele origin: germline.
Comment: This sequence change replaces serine, which is neutral and polar, with phenylalanine, which is neutral and non-polar, at codon 875 of the CPLANE1 protein (p.Ser875Phe). This variant is present in population databases (rs794727154, gnomAD 0.007%). This missense change has been observed in individual(s) with clinical features of Joubert syndrome (PMID: 29321670). In at least one individual the data is consistent with being in trans (on the opposite chromosome) from a pathogenic variant. ClinVar contains an entry for this variant (Variation ID: 194561). Invitae Evidence Modeling of protein sequence and biophysical properties (such as structural, functional, and spatial information, amino acid conservation, physicochemical variation, residue mobility, and thermodynamic stability) indicates that this missense variant is expected to disrupt CPLANE1 protein function with a positive predictive value of 95%. For these reasons, this variant has been classified as Pathogenic.

Victorian Clinical Genetics Services, Murdoch Childrens Research Institute
Classification: Likely pathogenic for Joubert syndrome 17. Last evaluated: 2024-10-09. Review status: criteria provided, single submitter. Criteria: ACMG Guidelines, 2015. Collection method: clinical testing. Allele origin: germline. Inheritance: Autosomal recessive inheritance. Affected: yes.
Comment: Based on the classification scheme VCGS_Germline_v1.3.4, this variant is classified as Likely pathogenic. Following criteria are met: 0102 - Loss of function is a known mechanism of disease in this gene and is associated with Joubert syndrome 17 (MIM#614615) and orofaciodigital syndrome VI (MIM#277170). (I) 0106 - This gene is associated with autosomal recessive disease. (I) 0200 - Variant is predicted to result in a missense amino acid change from serine to phenylalanine. (I) 0251 - This variant is heterozygous. (I) 0304 - Variant is present in gnomAD (v3) <0.01 for a recessive condition (2 heterozygotes). (SP) 0502 - Missense variant with conflicting in silico predictions and uninformative conservation. (I) 0604 - Variant is not located in an established domain, motif, hotspot or informative constraint region. (I) 0705 - No comparable missense variants have previous evidence for pathogenicity. (I) 0801 - This variant has strong previous evidence of pathogenicity in unrelated individuals. Reported as pathogenic in multiple unrelated individuals (ClinVar, LOVD, PMIDs: 28497568, 29605658, 29321670, 25920555). (SP) 0905 - No published segregation evidence has been identified for this variant. (I) 1007 - No published functional evidence has been identified for this variant. (I) Legend: (SP) - Supporting pathogenic, (I) - Information, (SB) - Supporting benign

Institute of Medical Genetics, University of Zurich
Classification: Pathogenic for Joubert syndrome 17. Last evaluated: 2017-05-18. Review status: criteria provided, single submitter. Criteria: ACMG Guidelines, 2015. Collection method: clinical testing. Allele origin: inherited. Affected: yes. Observed: 1 compound heterozygote.

Eurofins Ntd Llc (ga)
Classification: Uncertain significance. Last evaluated: 2014-12-18. Review status: flagged submission. Criteria: EGL Classification Definitions 2015. Collection method: clinical testing. Allele origin: germline. Observed: 1 variant allele, 1 heterozygote. Not counted in ClinVar's aggregate classification.
ClinVar note: Reason: Older claim that does not account for recent evidence

Literature cited by the submitters: PubMed 29321670 (cited by 3 submitters); PubMed 25920555 (cited by Victorian Clinical Genetics Services, Murdoch Childrens Research Institute); PubMed 28497568 (cited by Victorian Clinical Genetics Services, Murdoch Childrens Research Institute); PubMed 29605658 (cited by Victorian Clinical Genetics Services, Murdoch Childrens Research Institute).

NM_001384732.1(CPLANE1):c.2624C>T (p.Ser875Phe)

Gene: CPLANE1 (ciliogenesis and planar polarity effector complex subunit 1; minus strand). Cytogenetic location: 5p13.2.
Variant type: single nucleotide variant.
Coding change: c.2624C>T on transcript NM_001384732.1 (MANE Select); coding-DNA position 2624, C replaced by T.
Protein change: p.Ser875Phe; replaces serine 875 with phenylalanine.
Molecular consequence: missense variant.
Genome position (GRCh38, 1-based): chr5:37,221,446, G>A on the plus strand (C>T on the coding strand, the complement: CPLANE1 is on the minus strand). VCF-style: chr5-37221446-G-A. GRCh37 (hg19) VCF-style: chr5-37221548-G-A.
Other names: c.2624C>T, p.Ser875Phe (NM_023073.4); short protein forms S875F.
Identifiers: ClinVar variation 194561 (VCV000194561.8), dbSNP rs794727154, ClinGen allele CA240601.